The following is an entry in ClinVar:

NM_001458.5(FLNC):c.4743C>T (p.Pro1581=)

Gene: FLNC (filamin C; plus strand). Cytogenetic location: 7q32.1.
Variant type: single nucleotide variant.
Coding change: c.4743C>T on transcript NM_001458.5 (MANE Select); coding-DNA position 4743, C replaced by T.
Protein change: p.Pro1581=; no amino-acid change (proline 1581 retained).
Molecular consequence: synonymous variant.
Genome position (GRCh38, 1-based): chr7:128,848,798, C>T. VCF-style: chr7-128848798-C-T. GRCh37 (hg19) VCF-style: chr7-128488852-C-T.
Other names: p.Pro1581=; c.4743C>T, p.Pro1581= (NM_001127487.2).
Identifiers: ClinVar variation 1742784 (VCV001742784.7), dbSNP rs765574147, ClinGen allele CA4475451.

ClinVar aggregate classification (germline): Likely benign. Review status: criteria provided, multiple submitters, no conflicts (2 of 4 stars). 4 submissions from 4 submitters: Likely benign (4). Last evaluated 2026-01-13.

Conditions:
Distal myopathy with posterior leg and anterior hand involvement. Also called: WILLIAMS DISTAL MYOPATHY. Identifiers: Orphanet 63273, MedGen C3279722, MONDO:0013550, OMIM 614065.
Hypertrophic cardiomyopathy 26. Also called: Cardiomyopathy, familial hypertrophic, 26. Identifiers: Orphanet 75249, MedGen C4310749, MONDO:0014883, OMIM 617047.
Myofibrillar myopathy 5. Also called: Filaminopathy (type); FILAMINOPATHY, AUTOSOMAL DOMINANT. Identifiers: Orphanet 171445, MedGen C1836050, MONDO:0012289, OMIM 609524.
Cardiovascular phenotype. Identifiers: MedGen CN230736.

Allele frequency attached by ClinVar (database versions not stated): ExAC 0.00002; gnomAD 0.00004.
gnomAD v4.1: 25 of 1,614,008 alleles (0.0015%); highest among the groups gnomAD compares: African/African-American, 0.0027%; 1 homozygote.

Submissions (4):

Labcorp Genetics (formerly Invitae), Labcorp
Classification: Likely benign for Distal myopathy with posterior leg and anterior hand involvement; Myofibrillar myopathy 5; Hypertrophic cardiomyopathy 26. Last evaluated: 2026-01-13. Review status: criteria provided, single submitter. Criteria: Invitae Variant Classification Sherloc (09022015). Collection method: clinical testing. Allele origin: germline.

Mayo Clinic Laboratories, Mayo Clinic
Classification: Likely benign. Last evaluated: 2025-04-16. Review status: criteria provided, single submitter. Criteria: ACMG Guidelines, 2015. Collection method: clinical testing. Allele origin: germline. Observed: 1 variant allele.
Comment: BP4, BP7

Ambry Genetics
Classification: Likely benign for Cardiovascular phenotype. Last evaluated: 2021-06-14. Review status: criteria provided, single submitter. Criteria: Ambry Variant Classification Scheme 2023. Collection method: clinical testing. Allele origin: germline.

Blueprint Genetics
Classification: Likely benign. Last evaluated: 2021-01-28. Review status: criteria provided, single submitter. Criteria: ACMG Guidelines, 2015. Collection method: clinical testing. Allele origin: germline.